The following is an entry in ClinVar:

NM_024928.5(STN1):c.617G>A (p.Ser206Asn)

Gene: STN1 (STN1 subunit of CST complex; minus strand). Cytogenetic location: 10q24.33.
Variant type: single nucleotide variant.
Coding change: c.617G>A on transcript NM_024928.5 (MANE Select); coding-DNA position 617, G replaced by A.
Protein change: p.Ser206Asn; replaces serine 206 with asparagine.
Molecular consequence: missense variant.
Genome position (GRCh38, 1-based): chr10:103,897,684, C>T on the plus strand (G>A on the coding strand, the complement: STN1 is on the minus strand). VCF-style: chr10-103897684-C-T. GRCh37 (hg19) VCF-style: chr10-105657442-C-T.
Other names: short protein forms S206N.
Identifiers: ClinVar variation 2631451 (VCV002631451.1), dbSNP rs1291259544, ClinGen allele CA378045608.

ClinVar aggregate classification (germline): Uncertain significance (1 of 4 stars; one submission).

Conditions:
STN1-related disorder. Also called: STN1-related condition.

Allele frequency attached by ClinVar (database versions not stated): TOPMed below 0.00001.

Submission:

PreventionGenetics, part of Exact Sciences
Classification: Uncertain significance for STN1-related condition. Last evaluated: 2023-07-10. Review status: criteria provided, single submitter. Criteria: ACMG Guidelines, 2015. Collection method: clinical testing. Allele origin: germline.
Comment: The STN1 c.617G>A variant is predicted to result in the amino acid substitution p.Ser206Asn. To our knowledge, this variant has not been reported in the literature or in a large population database, indicating this variant is rare. At this time, the clinical significance of this variant is uncertain due to the absence of conclusive functional and genetic evidence.